The following is an entry in ClinVar:

ClinVar aggregate classification (germline): Uncertain significance (1 of 4 stars; one submission).

Conditions:
Hereditary cancer-predisposing syndrome. Also called: Tumor predisposition; Hereditary neoplastic syndrome; Hereditary Cancer Syndrome; Neoplastic Syndromes, Hereditary. Identifiers: Orphanet 140162, MedGen C0027672, MeSH D009386, MONDO:0015356.

Submission:

Ambry Genetics
Classification: Uncertain significance for Hereditary cancer-predisposing syndrome. Last evaluated: 2025-03-31. Review status: criteria provided, single submitter. Criteria: Ambry Variant Classification Scheme 2023. Collection method: clinical testing. Allele origin: germline.
Comment: The p.P334S variant (also known as c.1000C>T), located in coding exon 10 of the PRKAR1A gene, results from a C to T substitution at nucleotide position 1000. The proline at codon 334 is replaced by serine, an amino acid with similar properties. This amino acid position is conserved. In addition, this alteration is predicted to be deleterious by in silico analysis. Based on the available evidence, the clinical significance of this variant remains unclear.

NM_002734.5(PRKAR1A):c.1000C>T (p.Pro334Ser)

Gene: PRKAR1A (protein kinase cAMP-dependent type I regulatory subunit alpha; plus strand). Cytogenetic location: 17q24.2.
Variant type: single nucleotide variant.
Coding change: c.1000C>T on transcript NM_002734.5 (MANE Select); coding-DNA position 1000, C replaced by T.
Protein change: p.Pro334Ser; replaces proline 334 with serine.
Molecular consequence: missense variant. On other transcripts: intron variant (1).
Genome position (GRCh38, 1-based): chr17:68,530,303, C>T. VCF-style: chr17-68530303-C-T. GRCh37 (hg19) VCF-style: chr17-66526444-C-T.
Other names: c.1000C>T, p.Pro334Ser (NM_001369389.1, NM_001369390.1, NM_212471.3 and 3 more transcripts); c.973+302C>T (NM_001276290.1); short protein forms P334S.
Identifiers: ClinVar variation 3938087 (VCV003938087.1).